The following is an entry in ClinVar:

NM_001999.4(FBN2):c.8635AAG[2] (p.Lys2881del)

Gene: FBN2 (fibrillin 2; minus strand). Cytogenetic location: 5q23.3.
Variant type: Microsatellite.
Coding change: c.8635AAG[2] on transcript NM_001999.4 (MANE Select); two copies in a row of the 3-base unit AAG starting at c.8635; the reference has three copies in a row; one copy, 3 bases deleted.
Protein change: p.Lys2881del; deletes lysine 2881.
Molecular consequence: inframe deletion.
Genome position (GRCh38, 1-based): chr5:128,259,551-128,259,553, CTT deleted on the plus strand (AAG on the coding strand, the reverse complement: FBN2 is on the minus strand); deleting any 3 consecutive bases within chr5:128,259,551-128,259,559 gives the same sequence; the position shown is the placement nearest the transcript's 3' end. VCF-style (leftmost placement, unchanged base first): chr5-128259550-CCTT-C. GRCh37 (hg19) VCF-style: chr5-127595242-CCTT-C.
Other names: short protein forms K2881del.
Identifiers: ClinVar variation 2168625 (VCV002168625.4), dbSNP rs1372300289, ClinGen allele CA563056331.

ClinVar aggregate classification (germline): Uncertain significance (1 of 4 stars; one submission).

Conditions:
Congenital contractural arachnodactyly (CCA). Also called: Arthrogryposis, distal, type 9; BEALS SYNDROME; Beals-Hecht syndrome. Identifiers: Orphanet 115, MedGen C0220668, MONDO:0007363, OMIM 121050.

Submission:

Labcorp Genetics (formerly Invitae), Labcorp
Classification: Uncertain significance for Congenital contractural arachnodactyly. Last evaluated: 2024-07-30. Review status: criteria provided, single submitter. Criteria: Invitae Variant Classification Sherloc (09022015). Collection method: clinical testing. Allele origin: germline.
Comment: This variant, c.8641_8643del, results in the deletion of 1 amino acid(s) of the FBN2 protein (p.Lys2881del), but otherwise preserves the integrity of the reading frame. This variant is present in population databases (no rsID available, gnomAD 0.006%). This variant has not been reported in the literature in individuals affected with FBN2-related conditions. Experimental studies and prediction algorithms are not available or were not evaluated, and the functional significance of this variant is currently unknown. In summary, the available evidence is currently insufficient to determine the role of this variant in disease. Therefore, it has been classified as a Variant of Uncertain Significance.